The following is an entry in ClinVar:

NM_000051.4(ATM):c.7088A>G (p.Lys2363Arg)

Genes: ATM (ATM serine/threonine kinase; plus strand), C11orf65 (chromosome 11 open reading frame 65; minus strand). Cytogenetic location: 11q22.3.
Variant type: single nucleotide variant.
Coding change: c.7088A>G on transcript NM_000051.4 (MANE Select); coding-DNA position 7088, A replaced by G.
Protein change: p.Lys2363Arg; replaces lysine 2363 with arginine.
Molecular consequence: missense variant. On other transcripts: intron variant (2).
Genome position (GRCh38, 1-based): chr11:108,327,757, A>G. VCF-style: chr11-108327757-A-G. GRCh37 (hg19) VCF-style: chr11-108198484-A-G.
Other names: c.7088A>G, p.Lys2363Arg (NM_001351834.2); c.641-18686T>C (NM_001330368.2); c.*38+7463T>C (NM_001351110.2); short protein forms K2363R.
Identifiers: ClinVar variation 2568156 (VCV002568156.2), dbSNP rs757293178, ClinGen allele CA382559218.

ClinVar aggregate classification (germline): Uncertain significance (1 of 4 stars; one submission).

Conditions:
Hereditary cancer-predisposing syndrome. Also called: Hereditary Cancer Syndrome; Hereditary neoplastic syndrome; Neoplastic Syndromes, Hereditary; Tumor predisposition. Identifiers: Orphanet 140162, MedGen C0027672, MeSH D009386, MONDO:0015356.

Submission:

Ambry Genetics
Classification: Uncertain significance for Hereditary cancer-predisposing syndrome. Last evaluated: 2023-03-26. Review status: criteria provided, single submitter. Criteria: Ambry Variant Classification Scheme 2023. Collection method: clinical testing. Allele origin: germline.
Comment: The p.K2363R variant (also known as c.7088A>G), located in coding exon 47 of the ATM gene, results from an A to G substitution at nucleotide position 7088. The lysine at codon 2363 is replaced by arginine, an amino acid with highly similar properties. This amino acid position is well conserved in available vertebrate species. In addition, this alteration is predicted to be tolerated by in silico analysis. Since supporting evidence is limited at this time, the clinical significance of this alteration remains unclear.